The following is an entry in ClinVar:

NM_014874.4(MFN2):c.2258dup (p.Gln754fs)

Gene: MFN2 (mitofusin 2; plus strand). Cytogenetic location: 1p36.22.
Variant type: Duplication.
Coding change: c.2258dup on transcript NM_014874.4 (MANE Select); coding-DNA position 2258, one base duplicated (T; older notation c.2258dupT).
Protein change: p.Gln754fs; shifts the reading frame from glutamine 754.
Molecular consequence: frameshift variant.
Genome position (GRCh38, 1-based): chr1:12,011,549, T duplicated. VCF-style (leftmost placement, unchanged base first): chr1-12011548-C-CT. GRCh37 (hg19) VCF-style: chr1-12071605-C-CT.
Other names: c.2258dupT (NM_014874.4, NM_001127660.1); c.2258dup, p.Gln754fs (NM_001127660.2); short protein forms Q754fs.
Identifiers: ClinVar variation 637433 (VCV000637433.20), dbSNP rs773371488, ClinGen allele CA599383.
Genomic context (GRCh38, chr1:12,011,548, plus strand): 5'-CTTTGCAGGAATAAAGCCGGTTGGTTGGACAGTGAGCTCAACATGTTCACACACCAGTAC[C>CT]TGCAGCCCAGCAGATAGTGGGCACCTGAGGCGGAGTCTGCGTGGAGAGGGGCGGTGCTGC-3'

ClinVar aggregate classification (germline): Conflicting classifications of pathogenicity. Review status: criteria provided, conflicting classifications (1 of 4 stars). 11 submissions from 11 submitters: Pathogenic (1); Likely pathogenic (3); Uncertain significance (4). 3 of the submissions do not count toward it. Last evaluated 2025-08-22.

Conditions:
Charcot-Marie-Tooth disease, axonal, autosomal recessive, type 2a2b;. Also called: Charcot-Marie-Tooth disease, axonal, autosomal recessive, type 2A2B; Charcot-Marie-Tooth disease, axonal, type 2A2B. Identifiers: MedGen C4310725, MONDO:0014906, OMIM 617087.
Charcot-Marie-Tooth disease. Also called: Charcot-Marie-Tooth Hereditary Neuropathy; Charcot-Marie-Tooth Neuropathy. Identifiers: Orphanet 166, MedGen C0007959, MONDO:0015626.
Charcot-Marie-Tooth disease type 2A2. Also called: CHARCOT-MARIE-TOOTH DISEASE, AXONAL, AUTOSOMAL DOMINANT, TYPE 2A2A; Charcot-Marie-Tooth Neuropathy Type 2A2; CHARCOT-MARIE-TOOTH DISEASE, AXONAL, TYPE 2A2; CHARCOT-MARIE-TOOTH DISEASE, NEURONAL, TYPE 2A2; HEREDITARY MOTOR AND SENSORY NEUROPATHY IIA2; HMSN IIA2. Identifiers: Orphanet 99947, MedGen C4721887, MONDO:0012231, OMIM 609260.
Multiple symmetric lipomatosis. Also called: Madelung disease; Benign symmetrical lipomatosis; LIPODYSTROPHY, CEPHALOTHORACIC; Launois-Bensaude syndrome; Madelung's disease. Identifiers: Orphanet 2398, MedGen C0023804, MONDO:0007908, OMIM 151800.
Charcot-Marie-Tooth disease type 2. Also called: Charcot-Marie-Tooth type 2. Identifiers: Orphanet 64746, MedGen C0270914, MONDO:0018993.

Allele frequency attached by ClinVar (database versions not stated): gnomAD 0.00001; ExAC 0.00002; gnomAD exomes 0.00002 and 0.00004; TOPMed 0.00002.

Submissions (11):

First Genomix Gene Laboratory, Genetic Diagnostics Department
Classification: Likely pathogenic for Charcot-Marie-Tooth disease, axonal, autosomal recessive, type 2a2b;; Multiple symmetric lipomatosis. Last evaluated: 2025-08-22. Review status: criteria provided, single submitter. Criteria: ACMG Guidelines, 2015. Collection method: clinical testing. Allele origin: germline. Inheritance: Autosomal recessive inheritance. Affected: no. Observed: 1 variant allele.

Women's Health and Genetics/Laboratory Corporation of America, LabCorp
Classification: Uncertain significance. Last evaluated: 2025-05-06. Review status: criteria provided, single submitter. Criteria: LabCorp Variant Classification Summary - May 2015. Collection method: clinical testing. Allele origin: germline.
Comment: Variant summary: MFN2 c.2258dupT (p.Gln754AlafsX9) results in a premature termination codon, predicted to disrupt the last four amino acids of theprotein and extend the protein five amino acids. MFN2 c.2258dupT (p.Gln754AlafsX9) causes a frameshift which results in an extension of the protein. The variant allele was found at a frequency of 4.4e-05 in 249300 control chromosomes. The observed variant frequency is approximately 70.6 fold of the estimated maximal expected allele frequency for a pathogenic variant in MFN2 causing Charcot-Marie Disease Type 2A2 phenotype (6.3e-07). c.2258dupT has been observed in the hterozygous state in individuals affected with autosomal dominant optic neuropathy and Charcot-Marie-Tooth disease and in the compound heterozygous state with a rare missense variant in an individual with mild peripheral neuropathy. To our knowledge, no experimental evidence demonstrating an impact on protein function has been reported. This variant is also known as c.2257_2258insT and c.2258_2259insT (L753fs). The following publications have been ascertained in the context of this evaluation (PMID: 33841295, 16762064, 34354735, 28215760, 32110117). ClinVar contains an entry for this variant (Variation ID: 637433). Based on the evidence outlined above, the variant was classified as uncertain significance.

Labcorp Genetics (formerly Invitae), Labcorp
Classification: Uncertain significance for Charcot-Marie-Tooth disease type 2. Last evaluated: 2024-11-11. Review status: criteria provided, single submitter. Criteria: Invitae Variant Classification Sherloc (09022015). Collection method: clinical testing. Allele origin: germline.
Comment: This sequence change results in a frameshift in the MFN2 gene (p.Gln754Alafs*9). While this is not anticipated to result in nonsense mediated decay, it is expected to disrupt the last 4 amino acid(s) of the MFN2 protein and extend the protein by 4 additional amino acid residues. This variant is present in population databases (rs773371488, gnomAD 0.02%). This frameshift has been observed in individuals with Charcot-Marie-Tooth disease and/or optical atrophy (PMID: 16762064, 28215760, 33841295, 34354735). This variant is also known as c.2257_2258insT and c.2258_2259insT (L753fs). ClinVar contains an entry for this variant (Variation ID: 637433). Experimental studies and prediction algorithms are not available or were not evaluated, and the functional significance of this variant is currently unknown. In summary, the available evidence is currently insufficient to determine the role of this variant in disease. Therefore, it has been classified as a Variant of Uncertain Significance.

3billion
Classification: Likely pathogenic for Charcot-Marie-Tooth disease type 2A2. Last evaluated: 2024-07-09. Review status: criteria provided, single submitter. Criteria: ACMG Guidelines, 2015. Collection method: clinical testing. Allele origin: germline. Affected: yes.
Comment: The variant is observed at an extremely low frequency in the gnomAD v4.0.0 dataset (total allele frequency: 0.002%). Predicted Consequence/Location: Frameshift: predicted to result in a loss or disruption of normal protein function through protein truncation. The predicted truncated protein may be shortened by less than 10%. The variant has been reported at least twice as pathogenic without evidence for the classification (ClinVar ID: VCV000637433 /PMID: 16762064). However, the evidence of pathogenicity is insufficient at this time. Therefore, this variant is classified as VUS according to the recommendation of ACMG/AMP guideline.

Blueprint Genetics
Classification: Uncertain significance. Last evaluated: 2024-05-06. Review status: criteria provided, single submitter. Criteria: ACMG Guidelines, 2015. Collection method: clinical testing. Allele origin: germline.

Baylor Genetics
Classification: Likely pathogenic for Charcot-Marie-Tooth disease, axonal, autosomal recessive, type 2a2b;. Last evaluated: 2022-03-17. Review status: criteria provided, single submitter. Criteria: ACMG Guidelines, 2015. Collection method: clinical testing. Allele origin: unknown.

Istituto Neurologico Mediterraneo, Istituto di Ricovero e Cura a Carattere Scientifico
Classification: Pathogenic for Charcot-Marie-Tooth disease type 2A2. Last evaluated: 2020-01-26. Review status: criteria provided, single submitter. Criteria: ACMG Guidelines, 2015. Collection method: clinical testing. Allele origin: de novo. Inheritance: Autosomal dominant inheritance. Affected: yes. Observed: 1 heterozygote.

Mendelics
Classification: Uncertain significance for Charcot-Marie-Tooth disease type 2A2. Last evaluated: 2019-05-28. Review status: criteria provided, single submitter. Criteria: Mendelics Assertion Criteria 2017. Collection method: clinical testing. Allele origin: unknown.

Clinical Genetics DNA and cytogenetics Diagnostics Lab, Erasmus MC, Erasmus Medical Center
Classification: Pathogenic. Review status: no assertion criteria provided. Collection method: clinical testing. Allele origin: germline. Affected: yes. Study: VKGL Data-share Consensus. Not counted in ClinVar's aggregate classification.

Clinical Genetics, Academic Medical Center
Classification: Pathogenic. Review status: no assertion criteria provided. Collection method: clinical testing. Allele origin: germline. Affected: yes. Study: VKGL Data-share Consensus. Not counted in ClinVar's aggregate classification.

Inherited Neuropathy Consortium
Classification: Uncertain significance for Charcot-Marie-Tooth disease. Review status: no assertion criteria provided. Collection method: literature only. Allele origin: germline. Affected: yes. Not counted in ClinVar's aggregate classification.

Literature cited by the submitters: PubMed 33841295 (cited by Women's Health and Genetics/Laboratory Corporation of America, LabCorp and Labcorp Genetics (formerly Invitae), Labcorp); PubMed 16762064 (cited by 4 submitters); PubMed 34354735 (cited by Women's Health and Genetics/Laboratory Corporation of America, LabCorp and Labcorp Genetics (formerly Invitae), Labcorp); PubMed 28215760 (cited by Women's Health and Genetics/Laboratory Corporation of America, LabCorp and Labcorp Genetics (formerly Invitae), Labcorp); PubMed 32110117 (cited by Women's Health and Genetics/Laboratory Corporation of America, LabCorp).